The following is an entry in ClinVar:

ClinVar aggregate classification (germline): Uncertain significance (1 of 4 stars; one submission).

Conditions:
STAT3 gain of function. Identifiers: MedGen C4288261.
Hyper-IgE recurrent infection syndrome 1, autosomal dominant. Also called: JOB SYNDROME; Job's Syndrome; STAT3 Hyper IgE Syndrome; Hyper-IgE recurrent infection syndrome 1; HYPER-IgE SYNDROME 1, AUTOSOMAL DOMINANT, WITH RECURRENT INFECTIONS. Identifiers: Orphanet 2314, MedGen C2936739, MONDO:0007818, OMIM 147060.

gnomAD v4.1: 3 of 1,594,364 alleles (0.00019%); no homozygotes.

Submission:

Labcorp Genetics (formerly Invitae), Labcorp
Classification: Uncertain significance for STAT3 gain of function; Hyper-IgE recurrent infection syndrome 1, autosomal dominant. Last evaluated: 2025-10-26. Review status: criteria provided, single submitter. Criteria: Invitae Variant Classification Sherloc (09022015). Collection method: clinical testing. Allele origin: germline.
Comment: This sequence change replaces glycine, which is neutral and non-polar, with alanine, which is neutral and non-polar, at codon 536 of the STAT3 protein (p.Gly536Ala). This variant is not present in population databases (gnomAD no frequency). This variant has not been reported in the literature in individuals affected with STAT3-related conditions. Invitae Evidence Modeling of protein sequence and biophysical properties (such as structural, functional, and spatial information, amino acid conservation, physicochemical variation, residue mobility, and thermodynamic stability) indicates that this missense variant is not expected to disrupt STAT3 protein function with a negative predictive value of 80%. In summary, the available evidence is currently insufficient to determine the role of this variant in disease. Therefore, it has been classified as a Variant of Uncertain Significance.

NM_139276.3(STAT3):c.1607G>C (p.Gly536Ala)

Gene: STAT3 (signal transducer and activator of transcription 3; minus strand). Cytogenetic location: 17q21.2.
Variant type: single nucleotide variant.
Coding change: c.1607G>C on transcript NM_139276.3 (MANE Select); coding-DNA position 1607, G replaced by C.
Protein change: p.Gly536Ala; replaces glycine 536 with alanine.
Molecular consequence: missense variant.
Genome position (GRCh38, 1-based): chr17:42,323,619, C>G on the plus strand (G>C on the coding strand, the complement: STAT3 is on the minus strand). VCF-style: chr17-42323619-C-G. GRCh37 (hg19) VCF-style: chr17-40475637-C-G.
Other names: c.1607G>C, p.Gly536Ala (NM_001369512.1, NM_001369513.1, NM_001369514.1 and 10 more transcripts); c.1523G>C, p.Gly508Ala (NM_001384984.1); c.1529G>C, p.Gly510Ala (NM_001384985.1); c.1622G>C, p.Gly541Ala (NM_001384986.1, NM_001384990.1); c.1586G>C, p.Gly529Ala (NM_001384987.1); c.1511G>C, p.Gly504Ala (NM_001384989.1); c.1547G>C, p.Gly516Ala (NM_001384992.1); short protein forms G510A, G536A, G504A, G508A, G541A, G516A, G529A.
Identifiers: ClinVar variation 4791086 (VCV004791086.1).
Genomic context (GRCh38, chr17:42,323,619, plus strand): 5'-ACAAGATTGCTTACTTTGCAAAATTTAGCCCATGTGATCTGACACCCTGAATAATTCACA[C>G]CAGGTCCTGAAGGAAAGAAAAAGAGTCAAGTAGTACATTTTCAGCTTGGGGTCAAGAGGT-3'
Protein context (NP_644805.1, residues 526-546): TTLAEKLLGP[Gly536Ala]VNYSGCQITW